The following is an entry in ClinVar:

NM_033118.4(MYLK2):c.1556A>G (p.Asn519Ser)

Gene: MYLK2 (myosin light chain kinase 2; plus strand). Cytogenetic location: 20q11.21.
Variant type: single nucleotide variant.
Coding change: c.1556A>G on transcript NM_033118.4 (MANE Select); coding-DNA position 1556, A replaced by G.
Protein change: p.Asn519Ser; replaces asparagine 519 with serine.
Molecular consequence: missense variant.
Genome position (GRCh38, 1-based): chr20:31,831,834, A>G. VCF-style: chr20-31831834-A-G. GRCh37 (hg19) VCF-style: chr20-30419637-A-G.
Other names: short protein forms N519S.
Identifiers: ClinVar variation 3228195 (VCV003228195.1), dbSNP rs2515461165, ClinGen allele CA408528155.

ClinVar aggregate classification (germline): Uncertain significance (1 of 4 stars; one submission).

Submission:

Ambry Genetics
Classification: Uncertain significance. Last evaluated: 2023-12-07. Review status: criteria provided, single submitter. Criteria: Ambry Variant Classification Scheme 2023. Collection method: clinical testing. Allele origin: germline.
Comment: The p.N519S variant (also known as c.1556A>G), located in coding exon 10 of the MYLK2 gene, results from an A to G substitution at nucleotide position 1556. The asparagine at codon 519 is replaced by serine, an amino acid with highly similar properties. This amino acid position is conserved. In addition, this alteration is predicted to be tolerated by in silico analysis. Since supporting evidence is limited at this time, the clinical significance of this alteration remains unclear.